The following is an entry in ClinVar:

NM_001018115.3(FANCD2):c.1862G>A (p.Ser621Asn)

Genes: FANCD2 (FA complementation group D2; plus strand), LOC107303338 (3p25 FANCD2 Alu-mediated recombination region; plus strand). Cytogenetic location: 3p25.3.
Variant type: single nucleotide variant.
Coding change: c.1862G>A on transcript NM_001018115.3 (MANE Select); coding-DNA position 1862, G replaced by A.
Protein change: p.Ser621Asn; replaces serine 621 with asparagine.
Molecular consequence: missense variant.
Genome position (GRCh38, 1-based): chr3:10,063,826, G>A. VCF-style: chr3-10063826-G-A. GRCh37 (hg19) VCF-style: chr3-10105510-G-A.
Other names: c.1862G>A, p.Ser621Asn (NM_001319984.2, NM_001374254.1, NM_033084.6); c.1751G>A, p.Ser584Asn (NM_001374253.1); c.1862G>A (NM_033084.4); short protein forms S621N, S584N.
Identifiers: ClinVar variation 3588181 (VCV003588181.3).

ClinVar aggregate classification (germline): Uncertain significance. Review status: criteria provided, multiple submitters, no conflicts (2 of 4 stars). 2 submissions from 2 submitters: Uncertain significance (2). Last evaluated 2024-05-13.

Conditions:
Fanconi anemia (FA). Also called: Fanconi's anemia. Identifiers: Orphanet 84, MedGen C0015625, MeSH D005199, MONDO:0019391.
Fanconi anemia complementation group D2. Also called: FANCD2-Related Fanconi Anemia; FANCONI PANCYTOPENIA, TYPE 4; FANCONI ANEMIA, COMPLEMENTATION GROUP D. Identifiers: Orphanet 84, MedGen C3160738, MONDO:0009214, OMIM 227646.

gnomAD v4.1: 3 of 1,614,176 alleles (0.00019%); highest among the groups gnomAD compares: East Asian, 0.0045%; no homozygotes.

Submissions (2):

Labcorp Genetics (formerly Invitae), Labcorp
Classification: Uncertain significance for Fanconi anemia. Last evaluated: 2024-05-13. Review status: criteria provided, single submitter. Criteria: Invitae Variant Classification Sherloc (09022015). Collection method: clinical testing. Allele origin: germline.
Comment: This sequence change replaces serine, which is neutral and polar, with asparagine, which is neutral and polar, at codon 621 of the FANCD2 protein (p.Ser621Asn). This variant is not present in population databases (gnomAD no frequency). This variant has not been reported in the literature in individuals affected with FANCD2-related conditions. Advanced modeling of protein sequence and biophysical properties (such as structural, functional, and spatial information, amino acid conservation, physicochemical variation, residue mobility, and thermodynamic stability) performed at Invitae indicates that this missense variant is expected to disrupt FANCD2 protein function with a positive predictive value of 80%. In summary, the available evidence is currently insufficient to determine the role of this variant in disease. Therefore, it has been classified as a Variant of Uncertain Significance.

Fulgent Genetics
Classification: Uncertain significance for Fanconi anemia complementation group D2. Last evaluated: 2024-04-25. Review status: criteria provided, single submitter. Criteria: ACMG Guidelines, 2015. Collection method: clinical testing. Allele origin: germline.